The following is an entry in ClinVar:

ClinVar aggregate classification (germline): Likely benign. Review status: reviewed by expert panel (3 of 4 stars). 13 submissions from 13 submitters: Likely benign (1). 12 of the submissions do not count toward it. Last evaluated 2017-06-29.

Conditions:
BRCA2-related cancer predisposition. Identifiers: MedGen CN377758, MONDO:0700269.
BRCA2-related disorder. Also called: BRCA2-related condition; BRCA2-related disorders. Identifiers: MedGen CN239275.
Hereditary cancer-predisposing syndrome. Also called: Tumor predisposition; Neoplastic Syndromes, Hereditary; Hereditary Cancer Syndrome; Hereditary neoplastic syndrome. Identifiers: Orphanet 140162, MedGen C0027672, MeSH D009386, MONDO:0015356.
Hereditary breast ovarian cancer syndrome. Also called: Hereditary breast and ovarian cancer; Hereditary breast and ovarian cancer syndrome (HBOC); Breast and ovarian cancer; Hereditary breast and/or ovarian cancer syndrome; BRCA1- and BRCA2-Associated Hereditary Breast and Ovarian Cancer; Hereditary breast and ovarian cancer syndrome. Identifiers: Orphanet 145, MedGen C0677776, MeSH D061325, MONDO:0003582. Disease mechanism: loss of function.
Breast-ovarian cancer, familial, susceptibility to, 2 (BROVCA2). Also called: BRCA2 Hereditary Breast and Ovarian Cancer. Identifiers: Orphanet 145, MedGen C2675520, MONDO:0012933, OMIM 612555. Disease mechanism: loss of function.

Allele frequency attached by ClinVar (database versions not stated): ExAC 0.00001; gnomAD exomes 0.00001 and 0.00003; TOPMed 0.00011; gnomAD 0.00015; 1000 Genomes Project 30x 0.00016; 1000 Genomes Project 0.00020.
gnomAD v4.1: 34 of 1,614,022 alleles (0.0021%); highest among the groups gnomAD compares: Admixed American, 0.057%; no homozygotes.

Submissions (13):

Evidence-based Network for the Interpretation of Germline Mutant Alleles (ENIGMA)
Classification: Likely benign for Breast-ovarian cancer, familial, susceptibility to, 2. Last evaluated: 2017-06-29. Review status: reviewed by expert panel. Criteria: ENIGMA BRCA1/2 Classification Criteria (2017-06-29). Collection method: curation. Allele origin: germline.
Comment: Synonymous substitution variant, with low bioinformatic likelihood to result in a splicing aberration (Splicing prior probability 0.02).

Labcorp Genetics (formerly Invitae), Labcorp
Classification: Likely benign for Hereditary breast ovarian cancer syndrome. Last evaluated: 2026-01-24. Review status: criteria provided, single submitter. Criteria: Invitae Variant Classification Sherloc (09022015). Collection method: clinical testing. Allele origin: germline. Not counted in ClinVar's aggregate classification.

CeGaT Center for Human Genetics Tuebingen
Classification: Likely benign. Last evaluated: 2025-08-01. Review status: criteria provided, single submitter. Criteria: CeGaT Center For Human Genetics Tuebingen Variant Classification Criteria Version 2. Collection method: clinical testing. Allele origin: germline. Affected: yes. Observed: 2 variant alleles. Not counted in ClinVar's aggregate classification.
Comment: BRCA2: BP4, BP7

Quest Diagnostics Nichols Institute San Juan Capistrano
Classification: Likely benign. Last evaluated: 2025-01-09. Review status: criteria provided, single submitter. Criteria: Quest Diagnostics criteria. Collection method: clinical testing. Allele origin: unknown. Not counted in ClinVar's aggregate classification.

Department of Pathology and Laboratory Medicine, Sinai Health System
Classification: Likely benign for BRCA2-related cancer predisposition. Last evaluated: 2024-10-24. Review status: criteria provided, single submitter. Criteria: ACMG Guidelines, 2015. Collection method: clinical testing. Allele origin: germline. Not counted in ClinVar's aggregate classification.

All of Us Research Program, National Institutes of Health
Classification: Likely benign for Breast-ovarian cancer, familial, susceptibility to, 2. Last evaluated: 2023-12-18. Review status: criteria provided, single submitter. Criteria: ACMG Guidelines, 2015. Collection method: clinical testing. Allele origin: germline. Inheritance: Autosomal dominant inheritance. Observed: 4 variant alleles, 4 heterozygotes. Not counted in ClinVar's aggregate classification.
Comment: This study involves interpretation of variants in research participants for the purpose of population health screening. Participant phenotype was not available at the time of variant classification. Additional details can be found in publication PMID: 35346344, PMCID: PMC8962531

Blueprint Genetics
Classification: Likely benign. Last evaluated: 2021-12-10. Review status: criteria provided, single submitter. Criteria: ACMG Guidelines, 2015. Collection method: clinical testing. Allele origin: germline. Not counted in ClinVar's aggregate classification.

Sema4
Classification: Likely benign for Hereditary cancer-predisposing syndrome. Last evaluated: 2021-12-02. Review status: criteria provided, single submitter. Criteria: Sema4 Curation Guidelines. Collection method: curation. Allele origin: germline. Not counted in ClinVar's aggregate classification.

GeneDx
Classification: Likely benign. Last evaluated: 2020-03-25. Review status: criteria provided, single submitter. Criteria: GeneDx Variant Classification Process June 2021. Collection method: clinical testing. Allele origin: germline. Affected: yes. Not counted in ClinVar's aggregate classification.
Comment: This variant is associated with the following publications: (PMID: 11948477)

Women's Health and Genetics/Laboratory Corporation of America, LabCorp
Classification: Likely benign. Last evaluated: 2019-08-21. Review status: criteria provided, single submitter. Criteria: LabCorp Variant Classification Summary - May 2015. Collection method: clinical testing. Allele origin: germline. Not counted in ClinVar's aggregate classification.

Color Diagnostics, LLC DBA Color Health
Classification: Likely benign for Hereditary cancer-predisposing syndrome. Last evaluated: 2016-09-20. Review status: criteria provided, single submitter. Criteria: ACMG Guidelines, 2015. Collection method: clinical testing. Allele origin: germline. Not counted in ClinVar's aggregate classification.

Ambry Genetics
Classification: Likely benign for Hereditary cancer-predisposing syndrome. Last evaluated: 2014-11-28. Review status: criteria provided, single submitter. Criteria: Ambry Variant Classification Scheme 2023. Collection method: clinical testing. Allele origin: germline. Not counted in ClinVar's aggregate classification.

PreventionGenetics, part of Exact Sciences
Classification: Likely benign for BRCA2-related condition. Last evaluated: 2019-10-22. Review status: no assertion criteria provided. Collection method: clinical testing. Allele origin: germline. Not counted in ClinVar's aggregate classification.
Comment: This variant is classified as likely benign based on ACMG/AMP sequence variant interpretation guidelines (Richards et al. 2015 PMID: 25741868, with internal and published modifications).

Literature cited by the submitters: PubMed 11948477 (cited by Quest Diagnostics Nichols Institute San Juan Capistrano); PubMed 32486089 (cited by Quest Diagnostics Nichols Institute San Juan Capistrano).

NM_000059.4(BRCA2):c.8499G>A (p.Lys2833=)

Gene: BRCA2 (BRCA2 DNA repair associated; plus strand). Cytogenetic location: 13q13.1.
Variant type: single nucleotide variant.
Coding change: c.8499G>A on transcript NM_000059.4 (MANE Select); coding-DNA position 8499, G replaced by A.
Protein change: p.Lys2833=; no amino-acid change (lysine 2833 retained).
Molecular consequence: synonymous variant.
Genome position (GRCh38, 1-based): chr13:32,370,967, G>A. VCF-style: chr13-32370967-G-A. GRCh37 (hg19) VCF-style: chr13-32945104-G-A.
Identifiers: ClinVar variation 187245 (VCV000187245.45), dbSNP rs558819788, ClinGen allele CA025682.